The following is an entry in ClinVar:

ClinVar aggregate classification (germline): Pathogenic. Review status: criteria provided, multiple submitters, no conflicts (2 of 4 stars). 4 submissions from 4 submitters: Pathogenic (3). 1 of the submissions does not count toward it. Last evaluated 2024-05-07.

Conditions:
Autosomal recessive retinitis pigmentosa. Identifiers: MedGen C0339526.
Retinitis pigmentosa 26 (RP26). Identifiers: Orphanet 791, MedGen C1842127, MONDO:0012024, OMIM 608380.

Allele frequency attached by ClinVar (database versions not stated): gnomAD exomes below 0.00001 and 0.00001; ExAC 0.00002; TOPMed 0.00002.
gnomAD v4.1: 1 of 1,613,974 alleles (0.000062%); highest among the groups gnomAD compares: Admixed American, 0.0017%; no homozygotes.

Submissions (4):

Natera, Inc.
Classification: Pathogenic for Retinitis Pigmentosa 26. Last evaluated: 2024-05-07. Review status: criteria provided, single submitter. Criteria: Natera Variant Classification Schema (03/2026). Collection method: clinical testing. Allele origin: germline.
Comment: The c.999C>A variant in CERKL is a nonsense variant predicted to introduce a stop codon at amino acid 333. This variant is expected to result in nonsense mediated decay, truncation, or a dysfunctional protein product. This variant is rare in the general population with a frequency below the threshold expected for the associated phenotype(s). This variant has been observed in one or more individuals affected with the associated recessive disease, as either homozygous or compound heterozygous with a second variant (PMID: 24547929, 30054919). Additionally, this variant has been observed to segregate in affected family members (PMID: 30054919). Given the available evidence, this variant is classified as Pathogenic.

Genomic Medicine Center of Excellence, King Faisal Specialist Hospital and Research Centre
Classification: Pathogenic for Retinitis pigmentosa 26. Last evaluated: 2024-03-25. Review status: criteria provided, single submitter. Criteria: ACMG Guidelines, 2015. Collection method: clinical testing. Allele origin: germline.

Labcorp Genetics (formerly Invitae), Labcorp
Classification: Pathogenic. Last evaluated: 2023-05-31. Review status: criteria provided, single submitter. Criteria: Invitae Variant Classification Sherloc (09022015). Collection method: clinical testing. Allele origin: germline.
Comment: For these reasons, this variant has been classified as Pathogenic. ClinVar contains an entry for this variant (Variation ID: 979002). This premature translational stop signal has been observed in individual(s) with inherited retinal dystrophy (PMID: 24547929). This variant is present in population databases (rs755238456, gnomAD 0.006%). This sequence change creates a premature translational stop signal (p.Cys333*) in the CERKL gene. It is expected to result in an absent or disrupted protein product. Loss-of-function variants in CERKL are known to be pathogenic (PMID: 14681825, 23591405, 24043777).

Faculty of Health Sciences, Beirut Arab University
Classification: Pathogenic for Autosomal recessive Retinitis Pigmentosa. Last evaluated: 2018-09-03. Review status: no assertion criteria provided. Collection method: literature only. Allele origin: germline. Affected: yes. Observed: 3 variant alleles. Not counted in ClinVar's aggregate classification.

Literature cited by the submitters: PubMed 24547929 (cited by Natera, Inc. and Labcorp Genetics (formerly Invitae), Labcorp); PubMed 30054919 (cited by Natera, Inc. and Faculty of Health Sciences, Beirut Arab University); PubMed 14681825 (cited by Labcorp Genetics (formerly Invitae), Labcorp); PubMed 23591405 (cited by Labcorp Genetics (formerly Invitae), Labcorp); PubMed 24043777 (cited by Labcorp Genetics (formerly Invitae), Labcorp); PubMed 25342276 (cited by Faculty of Health Sciences, Beirut Arab University).

NM_201548.5(CERKL):c.921C>A (p.Cys307Ter)

Gene: CERKL (CERK like autophagy regulator; minus strand). Cytogenetic location: 2q31.3.
Variant type: single nucleotide variant.
Coding change: c.921C>A on transcript NM_201548.5 (MANE Select); coding-DNA position 921, C replaced by A.
Protein change: p.Cys307Ter; replaces cysteine 307 with a stop codon.
Molecular consequence: nonsense. On other transcripts: non-coding transcript variant (2).
Genome position (GRCh38, 1-based): chr2:181,548,832, G>T on the plus strand (C>A on the coding strand, the complement: CERKL is on the minus strand). VCF-style: chr2-181548832-G-T. GRCh37 (hg19) VCF-style: chr2-182413559-G-T.
Other names: c.999C>A, p.Cys333Ter (NM_001030311.3); c.582C>A, p.Cys194Ter (NM_001030312.3); c.714C>A, p.Cys238Ter (NM_001030313.3); c.867C>A, p.Cys289Ter (NM_001160277.2); short protein forms C194*, C238*, C289*, C307*, C333*.
Identifiers: ClinVar variation 979002 (VCV000979002.10), dbSNP rs755238456, ClinGen allele CA2010608.
Genomic context (GRCh38, chr2:181,548,832, plus strand): 5'-ACCAAAGCCAAACATGGCTGAGAACCCAAAGCGAAGAAGCTTGCCAGCGGTGCTGAAGGT[G>T]CAGACGTCGACCAGCTGTACATGCCCTTGAATATTACATTAAATATTAATCAGTGAGTAC-3'